The following is an entry in ClinVar:

ClinVar aggregate classification (germline): Uncertain significance (1 of 4 stars; one submission).

Conditions:
Wolfram syndrome 1 (WFS1). Identifiers: Orphanet 3463, MedGen C4551693, MONDO:0009101, OMIM 222300.

Submission:

Clinical Genomics, Uppaluri K&H Personalized Medicine Clinic
Classification: Uncertain significance for Wolfram syndrome 1. Review status: criteria provided, single submitter. Criteria: K & H Uppaluri Personalized Medicine Clinic Variant Classification & Assertion Criteria_Updated V.1. Collection method: research. Allele origin: unknown. Inheritance: Autosomal recessive inheritance.
Comment: Potent mutations in WFS1 gene are associated with Wolfram's syndrome, an autosomal recessive condition, which cause diabetes mellitus, diabetes insipidus, deafness and optic atrophy.However no sufficient evidence is found to ascertain the role of this particular variant rs886059535 in Wolfram's syndrome yet.

Literature cited by the submitters: PubMed 20738327; PubMed 33879153; PubMed 12955714; PubMed 18060660; PubMed 20301750; PubMed 17603484.

NM_006005.3(WFS1):c.*365_*369del

Gene: WFS1 (wolframin ER transmembrane glycoprotein; plus strand). Cytogenetic location: 4p16.1.
Variant type: Deletion.
Coding change: c.*365_*369del on transcript NM_006005.3 (MANE Select); 365 bases downstream of the stop codon through 369 bases downstream of the stop codon, 5 bases deleted (CTTTT; older notation c.*365_*369delCTTTT).
Molecular consequence: 3 prime UTR variant.
Genome position (GRCh38, 1-based): chr4:6,302,833-6,302,837, CTTTT deleted; deleting any 5 consecutive bases within chr4:6,302,830-6,302,837 gives the same sequence; the c. name uses the placement nearest the transcript's 3' end. VCF-style (leftmost placement, unchanged base first): chr4-6302829-CTTTCT-C. GRCh37 (hg19) VCF-style: chr4-6304556-CTTTCT-C.
Other names: c.*365_*369del (NM_001145853.1).
Identifiers: ClinVar variation 349347 (VCV000349347.6), dbSNP rs886059535, ClinGen allele CA10619021.